The following is an entry in ClinVar:

ClinVar aggregate classification (germline): Likely benign. Review status: criteria provided, multiple submitters, no conflicts (2 of 4 stars). 5 submissions from 5 submitters: Likely benign (4). 1 of the submissions does not count toward it. Last evaluated 2025-10-10.

Conditions:
COL5A2-related disorder. Also called: COL5A2-related condition.
Familial thoracic aortic aneurysm and aortic dissection (TAAD). Also called: Thoracic aortic aneurysms and dissections. Identifiers: Orphanet 91387, MedGen C4707243, MONDO:0019625.
Ehlers-Danlos syndrome, classic type, 1 (EDSCL1). Also called: Ehlers-Danlos Syndrome, Classic Type, COL5A1-Related; EDS I; Ehlers-Danlos syndrome, type 1; EHLERS-DANLOS SYNDROME, GRAVIS TYPE; EHLERS-DANLOS SYNDROME, SEVERE CLASSIC TYPE. Identifiers: MedGen C0268335, MONDO:0019567, OMIM 130000.

Allele frequency attached by ClinVar (database versions not stated): gnomAD exomes 0.00003 and 0.00002; gnomAD 0.00016; ExAC 0.00003; TOPMed 0.00015.

Submissions (5):

Labcorp Genetics (formerly Invitae), Labcorp
Classification: Likely benign for Ehlers-Danlos syndrome, classic type, 1. Last evaluated: 2025-10-10. Review status: criteria provided, single submitter. Criteria: Invitae Variant Classification Sherloc (09022015). Collection method: clinical testing. Allele origin: germline.

Women's Health and Genetics/Laboratory Corporation of America, LabCorp
Classification: Likely benign. Last evaluated: 2024-07-15. Review status: criteria provided, single submitter. Criteria: LabCorp Variant Classification Summary - May 2015. Collection method: clinical testing. Allele origin: germline.

GeneDx
Classification: Likely benign. Last evaluated: 2018-10-09. Review status: criteria provided, single submitter. Criteria: GeneDx Variant Classification Process June 2021. Collection method: clinical testing. Allele origin: germline. Affected: yes.
Comment: See Variant Classification Assertion Criteria.

Ambry Genetics
Classification: Likely benign for Familial thoracic aortic aneurysm and aortic dissection. Last evaluated: 2017-01-11. Review status: criteria provided, single submitter. Criteria: Ambry Variant Classification Scheme 2023. Collection method: clinical testing. Allele origin: germline.

PreventionGenetics, part of Exact Sciences
Classification: Likely benign for COL5A2-related condition. Last evaluated: 2019-05-23. Review status: no assertion criteria provided. Collection method: clinical testing. Allele origin: germline. Not counted in ClinVar's aggregate classification.
Comment: This variant is classified as likely benign based on ACMG/AMP sequence variant interpretation guidelines (Richards et al. 2015 PMID: 25741868, with internal and published modifications).

NM_000393.5(COL5A2):c.288T>C (p.Cys96=)

Gene: COL5A2 (collagen type V alpha 2 chain; minus strand). Cytogenetic location: 2q32.2.
Variant type: single nucleotide variant.
Coding change: c.288T>C on transcript NM_000393.5 (MANE Select); coding-DNA position 288, T replaced by C.
Protein change: p.Cys96=; no amino-acid change (cysteine 96 retained).
Molecular consequence: synonymous variant.
Genome position (GRCh38, 1-based): chr2:189,110,259, A>G on the plus strand (T>C on the coding strand, the complement: COL5A2 is on the minus strand). VCF-style: chr2-189110259-A-G. GRCh37 (hg19) VCF-style: chr2-189974985-A-G.
Other names: c.288T>C (NM_000393.4).
Identifiers: ClinVar variation 519681 (VCV000519681.22), dbSNP rs577308799, ClinGen allele CA2023164.